The following is an entry in ClinVar:

ClinVar aggregate classification (germline): Uncertain significance (1 of 4 stars; one submission).

Conditions:
Common variable immunodeficiency (CVID). Also called: Common variable hypogamma-globulinemia; Common variable agammaglobulinemia. Identifiers: Orphanet 1572, MedGen C0009447, MONDO:0015517.

Allele frequency attached by ClinVar (database versions not stated): gnomAD 0.00001; gnomAD exomes 0.00001; ExAC 0.00002; TOPMed 0.00002.
gnomAD v4.1: 22 of 1,611,066 alleles (0.0014%); highest among the groups gnomAD compares: Admixed American, 0.005%; no homozygotes.

Submission:

Labcorp Genetics (formerly Invitae), Labcorp
Classification: Uncertain significance for Common variable immunodeficiency. Last evaluated: 2025-06-18. Review status: criteria provided, single submitter. Criteria: Invitae Variant Classification Sherloc (09022015). Collection method: clinical testing. Allele origin: germline.
Comment: This sequence change replaces arginine, which is basic and polar, with glutamine, which is neutral and polar, at codon 99 of the TNFSF12 protein (p.Arg99Gln). This variant is present in population databases (rs770131727, gnomAD 0.006%). This variant has not been reported in the literature in individuals affected with TNFSF12-related conditions. ClinVar contains an entry for this variant (Variation ID: 1063721). An algorithm developed to predict the effect of missense changes on protein structure and function outputs the following: PolyPhen-2: "Benign". The glutamine amino acid residue is found in multiple mammalian species, which suggests that this missense change does not adversely affect protein function. In summary, the available evidence is currently insufficient to determine the role of this variant in disease. Therefore, it has been classified as a Variant of Uncertain Significance.

NM_003809.3(TNFSF12):c.296G>A (p.Arg99Gln)

Genes: TNFSF12 (TNF superfamily member 12; plus strand), TNFSF12-TNFSF13 (TNFSF12-TNFSF13 readthrough; plus strand). Cytogenetic location: 17p13.1.
Variant type: single nucleotide variant.
Coding change: c.296G>A on transcript NM_003809.3 (MANE Select); coding-DNA position 296, G replaced by A.
Protein change: p.Arg99Gln; replaces arginine 99 with glutamine.
Molecular consequence: missense variant. On other transcripts: non-coding transcript variant (1).
Genome position (GRCh38, 1-based): chr17:7,550,811, G>A. VCF-style: chr17-7550811-G-A. GRCh37 (hg19) VCF-style: chr17-7454128-G-A.
Other names: c.296G>A, p.Arg99Gln (NM_172089.4); short protein forms R99Q.
Identifiers: ClinVar variation 1063721 (VCV001063721.7), dbSNP rs770131727, ClinGen allele CA8350762.
Genomic context (GRCh38, chr17:7,550,811, plus strand): 5'-ACCCCCACTAGGGCCCGCTTTGCTCATCTGTCTTTCCTTGATCCTCAGCACCTAAAGGCC[G>A]GAAAACACGGGCTCGAAGAGCGATCGCAGCCCATTATGAAGGTGGGTGATGGGTGAGCCA-3'
Protein context (NP_003800.1, residues 89-109): VRPRRSAPKG[Arg99Gln]KTRARRAIAA